The following is an entry in ClinVar:

ClinVar aggregate classification (germline): Pathogenic (0 of 4 stars; one submission).

Conditions:
Developmental and epileptic encephalopathy, 2 (DEE2). Also called: INFANTILE SPASM SYNDROME, X-LINKED 2; CDKL5 deficiency disorder. Identifiers: Orphanet 1934, Orphanet 3451, Orphanet 505652, MedGen C4750718, MONDO:0010396, OMIM 300672.

Submission:

RettBASE
Classification: Pathogenic for Epileptic encephalopathy, early infantile, 2. Last evaluated: 2014-03-13. Review status: no assertion criteria provided. Collection method: curation. Allele origin: de novo. Affected: yes. Observed: 1 variant allele.
Comment: Predicted to cause shift in reading-frame leading to early truncation, exact protein change not verified

Literature cited by the submitters: PubMed 23583054.

NM_003159.2(CDKL5):c.65-?_99+?del

Gene: CDKL5 (cyclin dependent kinase like 5; plus strand).
Variant type: Deletion.
Coding change: c.65-?_99+?del on transcript NM_003159.2.
Identifiers: ClinVar variation 189596 (VCV000189596.2).